The following is an entry in ClinVar:

ClinVar aggregate classification (germline): Uncertain significance (1 of 4 stars; one submission).

Submission:

GeneDx
Classification: Uncertain significance. Last evaluated: 2025-03-13. Review status: criteria provided, single submitter. Criteria: GeneDx Variant Classification Process June 2021. Collection method: clinical testing. Allele origin: germline. Affected: yes.
Comment: Not observed at significant frequency in large population cohorts (gnomAD); Nonsense variant predicted to result in protein truncation or nonsense mediated decay in a gene or region of a gene for which loss of function is not a well-established mechanism of disease; Has not been previously published as pathogenic or benign to our knowledge

NM_005982.4(SIX1):c.261G>A (p.Trp87Ter)

Gene: SIX1 (SIX homeobox 1; minus strand). Cytogenetic location: 14q23.1.
Variant type: single nucleotide variant.
Coding change: c.261G>A on transcript NM_005982.4 (MANE Select); coding-DNA position 261, G replaced by A.
Protein change: p.Trp87Ter; replaces tryptophan 87 with a stop codon.
Molecular consequence: nonsense.
Genome position (GRCh38, 1-based): chr14:60,648,929, C>T on the plus strand (G>A on the coding strand, the complement: SIX1 is on the minus strand). VCF-style: chr14-60648929-C-T. GRCh37 (hg19) VCF-style: chr14-61115647-C-T.
Other names: c.261G>A, p.Trp87Ter (NM_001425142.1); short protein forms W87*.
Identifiers: ClinVar variation 4083448 (VCV004083448.1).